The following is an entry in ClinVar:

ClinVar aggregate classification (germline): Uncertain significance (1 of 4 stars; one submission).

Conditions:
Hereditary cancer-predisposing syndrome. Also called: Hereditary Cancer Syndrome; Hereditary neoplastic syndrome; Neoplastic Syndromes, Hereditary; Tumor predisposition. Identifiers: Orphanet 140162, MedGen C0027672, MeSH D009386, MONDO:0015356.

Submission:

Ambry Genetics
Classification: Uncertain significance for Hereditary cancer-predisposing syndrome. Last evaluated: 2022-07-17. Review status: criteria provided, single submitter. Criteria: Ambry Variant Classification Scheme 2023. Collection method: clinical testing. Allele origin: germline.
Comment: The p.A186S variant (also known as c.556G>T), located in coding exon 1 of the AXIN2 gene, results from a G to T substitution at nucleotide position 556. The alanine at codon 186 is replaced by serine, an amino acid with similar properties. This amino acid position is conserved. In addition, this alteration is predicted to be tolerated by in silico analysis. Since supporting evidence is limited at this time, the clinical significance of this alteration remains unclear.

NM_004655.4(AXIN2):c.556G>T (p.Ala186Ser)

Gene: AXIN2 (axin 2; minus strand). Cytogenetic location: 17q24.1.
Variant type: single nucleotide variant.
Coding change: c.556G>T on transcript NM_004655.4 (MANE Select); coding-DNA position 556, G replaced by T.
Protein change: p.Ala186Ser; replaces alanine 186 with serine.
Molecular consequence: missense variant.
Genome position (GRCh38, 1-based): chr17:65,558,065, C>A on the plus strand (G>T on the coding strand, the complement: AXIN2 is on the minus strand). VCF-style: chr17-65558065-C-A. GRCh37 (hg19) VCF-style: chr17-63554183-C-A.
Other names: c.556G>T, p.Ala186Ser (NM_001363813.1); short protein forms A186S.
Identifiers: ClinVar variation 1748366 (VCV001748366.2), dbSNP rs2044298470, ClinGen allele CA400680901.